The following is an entry in ClinVar:

NM_000334.4(SCN4A):c.1659C>G (p.His553Gln)

Gene: SCN4A (sodium voltage-gated channel alpha subunit 4; minus strand). Cytogenetic location: 17q23.3.
Variant type: single nucleotide variant.
Coding change: c.1659C>G on transcript NM_000334.4 (MANE Select); coding-DNA position 1659, C replaced by G.
Protein change: p.His553Gln; replaces histidine 553 with glutamine.
Molecular consequence: missense variant.
Genome position (GRCh38, 1-based): chr17:63,961,379, G>C on the plus strand (C>G on the coding strand, the complement: SCN4A is on the minus strand). VCF-style: chr17-63961379-G-C. GRCh37 (hg19) VCF-style: chr17-62038739-G-C.
Other names: short protein forms H553Q.
Identifiers: ClinVar variation 2083265 (VCV002083265.7), dbSNP rs2509311069, ClinGen allele CA400633795.

ClinVar aggregate classification (germline): Uncertain significance. Review status: criteria provided, multiple submitters, no conflicts (2 of 4 stars). 2 submissions from 2 submitters: Uncertain significance (2). Last evaluated 2024-06-08.

Conditions:
Hyperkalemic periodic paralysis. Also called: Familial hyperkalemic periodic paralysis; Gamstorp disease. Identifiers: Orphanet 682, MedGen C0238357, MONDO:0008224, OMIM 170500, HP:0007215.

Allele frequency attached by ClinVar (database versions not stated): gnomAD exomes 0.00003.
gnomAD v4.1: 40 of 1,613,858 alleles (0.0025%); highest among the groups gnomAD compares: Non-Finnish European, 0.0033%; no homozygotes.

Submissions (2):

Labcorp Genetics (formerly Invitae), Labcorp
Classification: Uncertain significance for Hyperkalemic periodic paralysis. Last evaluated: 2024-06-08. Review status: criteria provided, single submitter. Criteria: Invitae Variant Classification Sherloc (09022015). Collection method: clinical testing. Allele origin: germline.
Comment: This sequence change replaces histidine, which is basic and polar, with glutamine, which is neutral and polar, at codon 553 of the SCN4A protein (p.His553Gln). This variant is not present in population databases (gnomAD no frequency). This variant has not been reported in the literature in individuals affected with SCN4A-related conditions. ClinVar contains an entry for this variant (Variation ID: 2083265). Advanced modeling of protein sequence and biophysical properties (such as structural, functional, and spatial information, amino acid conservation, physicochemical variation, residue mobility, and thermodynamic stability) performed at Invitae indicates that this missense variant is not expected to disrupt SCN4A protein function with a negative predictive value of 95%. In summary, the available evidence is currently insufficient to determine the role of this variant in disease. Therefore, it has been classified as a Variant of Uncertain Significance.

Revvity Omics, Revvity
Classification: Uncertain significance. Last evaluated: 2019-07-08. Review status: criteria provided, single submitter. Criteria: ACMG Guidelines, 2015. Collection method: clinical testing. Allele origin: germline.